The following is an entry in ClinVar:

ClinVar aggregate classification (germline): Likely benign. Review status: criteria provided, multiple submitters, no conflicts (2 of 4 stars). 2 submissions from 2 submitters: Likely benign (2). Last evaluated 2018-06-14.

Allele frequency attached by ClinVar (database versions not stated): 1000 Genomes Project 30x 0.00344; 1000 Genomes Project 0.00379; gnomAD 0.00698 and 0.00703; TOPMed 0.00728; gnomAD exomes 0.00788.
gnomAD v4.1: 4,075 of 534,760 alleles (0.76%); highest among the groups gnomAD compares: Non-Finnish European, 1.1%; 23 homozygotes.

Submissions (2):

GeneDx
Classification: Likely benign. Last evaluated: 2018-06-14. Review status: criteria provided, single submitter. Criteria: GeneDx Variant Classification (06012015). Collection method: clinical testing. Allele origin: germline. Affected: yes.
Comment: This variant is considered likely benign or benign based on one or more of the following criteria: it is a conservative change, it occurs at a poorly conserved position in the protein, it is predicted to be benign by multiple in silico algorithms, and/or has population frequency not consistent with disease.

Breakthrough Genomics
Classification: Likely benign. Review status: criteria provided, single submitter. Criteria: ACMG Guidelines, 2015. Collection method: not provided. Allele origin: germline. Inheritance: Autosomal recessive inheritance. Affected: yes.

NM_000126.4(ETFA):c.816+227A>G

Gene: ETFA (electron transfer flavoprotein subunit alpha; minus strand). Cytogenetic location: 15q24.2.
Variant type: single nucleotide variant.
Coding change: c.816+227A>G on transcript NM_000126.4 (MANE Select); 227 bases into the intron after coding-DNA position 816, A replaced by G.
Molecular consequence: intron variant.
Genome position (GRCh38, 1-based): chr15:76,274,185, T>C on the plus strand (A>G on the coding strand, the complement: ETFA is on the minus strand). VCF-style: chr15-76274185-T-C. GRCh37 (hg19) VCF-style: chr15-76566526-T-C.
Other names: c.669+227A>G (NM_001127716.2).
Identifiers: ClinVar variation 681621 (VCV000681621.2), dbSNP rs139097487, ClinGen allele CA273694768.